The following is an entry in ClinVar:

NM_080680.3(COL11A2):c.324T>C (p.Gly108=)

Gene: COL11A2 (collagen type XI alpha 2 chain; minus strand). Cytogenetic location: 6p21.32.
Variant type: single nucleotide variant.
Coding change: c.324T>C on transcript NM_080680.3 (MANE Select); coding-DNA position 324, T replaced by C.
Protein change: p.Gly108=; no amino-acid change (glycine 108 retained).
Molecular consequence: synonymous variant.
Genome position (GRCh38, 1-based): chr6:33,189,097, A>G on the plus strand (T>C on the coding strand, the complement: COL11A2 is on the minus strand). VCF-style: chr6-33189097-A-G. GRCh37 (hg19) VCF-style: chr6-33156874-A-G.
Other names: c.324T>C, p.Gly108= (NM_001163771.2, NM_080679.3, NM_080681.3).
Identifiers: ClinVar variation 392068 (VCV000392068.5), dbSNP rs935876736, ClinGen allele CA16605529.

ClinVar aggregate classification (germline): Likely benign. Review status: criteria provided, multiple submitters, no conflicts (2 of 4 stars). 3 submissions from 3 submitters: Likely benign (3). Last evaluated 2026-01-14.

Allele frequency attached by ClinVar (database versions not stated): gnomAD exomes below 0.00001 and 0.00003; TOPMed below 0.00001; gnomAD 0.00003.

Submissions (3):

Labcorp Genetics (formerly Invitae), Labcorp
Classification: Likely benign. Last evaluated: 2026-01-14. Review status: criteria provided, single submitter. Criteria: Invitae Variant Classification Sherloc (09022015). Collection method: clinical testing. Allele origin: germline.

Blueprint Genetics
Classification: Likely benign. Last evaluated: 2023-08-25. Review status: criteria provided, single submitter. Criteria: ACMG Guidelines, 2015. Collection method: clinical testing. Allele origin: germline.

GeneDx
Classification: Likely benign. Last evaluated: 2016-12-30. Review status: criteria provided, single submitter. Criteria: GeneDx Variant Classification (06012015). Collection method: clinical testing. Allele origin: germline. Affected: yes.
Comment: This variant is considered likely benign or benign based on one or more of the following criteria: it is a conservative change, it occurs at a poorly conserved position in the protein, it is predicted to be benign by multiple in silico algorithms, and/or has population frequency not consistent with disease.